The following is an entry in ClinVar:

NM_004333.6(BRAF):c.1455G>T (p.Leu485Phe)

Gene: BRAF (B-Raf proto-oncogene, serine/threonine kinase; minus strand). Cytogenetic location: 7q34.
Variant type: single nucleotide variant.
Coding change: c.1455G>T on transcript NM_004333.6 (MANE Select); coding-DNA position 1455, G replaced by T.
Protein change: p.Leu485Phe; replaces leucine 485 with phenylalanine.
Molecular consequence: missense variant.
Genome position (GRCh38, 1-based): chr7:140,778,053, C>A on the plus strand (G>T on the coding strand, the complement: BRAF is on the minus strand). VCF-style: chr7-140778053-C-A. GRCh37 (hg19) VCF-style: chr7-140477853-C-A.
Other names: c.1455G>T, p.Leu485Phe (NM_001354609.2, NM_001378468.1, NM_001378474.1); c.1575G>T, p.Leu525Phe (NM_001374244.1, NM_001374258.1); c.1464G>T, p.Leu488Phe (NM_001378467.1); c.1389G>T, p.Leu463Phe (NM_001378469.1); c.1353G>T, p.Leu451Phe (NM_001378470.1); c.1344G>T, p.Leu448Phe (NM_001378471.1); c.1299G>T, p.Leu433Phe (NM_001378472.1, NM_001378473.1); c.1191G>T, p.Leu397Phe (NM_001378475.1); short protein forms L485F, L451F, L488F, L525F, L448F, L397F, L433F, L463F.
Identifiers: ClinVar variation 177844 (VCV000177844.18), dbSNP rs180177036, ClinGen allele CA280060.
Genomic context (GRCh38, chr7:140,778,053, plus strand): 5'-GAGTACTCCTACTTCATTTTTGAAGGCTTGTAACTGCTGAGGTGTAGGTGCTGTCACATT[C>A]AACATTTTCACTGCCACATCACCTAAAAGGCAATTGTTACTCCAAGTGTCATTTCAATTT-3'
Protein context (NP_004324.2, residues 475-495): KWHGDVAVKM[Leu485Phe]NVTAPTPQQL

ClinVar aggregate classification (germline): Pathogenic. Review status: reviewed by expert panel (3 of 4 stars). 8 submissions from 8 submitters: Pathogenic (1). 7 of the submissions do not count toward it. Last evaluated 2020-02-27.

Conditions:
Cardio-facio-cutaneous syndrome. Also called: Cardiofaciocutaneous syndrome; CFC syndrome. Identifiers: Orphanet 1340, MedGen C1275081, MONDO:0015280. Disease mechanism: gain of function.
Noonan syndrome (NS). Also called: Noonan's syndrome. Identifiers: Orphanet 648, MedGen C0028326, MeSH D009634, MONDO:0018997. Disease mechanism: gain of function.
RASopathy. Also called: rasopathies; Noonan spectrum disorder. Identifiers: Orphanet 536391, MedGen C5555857, MONDO:0021060.
Cardiofaciocutaneous syndrome 1 (CFC1). Also called: BRAF-Related Cardiofaciocutaneous Syndrome. Identifiers: Orphanet 1340, MedGen CN029449, MONDO:0007265, OMIM 115150. Disease mechanism: gain of function.

Submissions (8):

ClinGen RASopathy Variant Curation Expert Panel
Classification: Pathogenic for RASopathy. Last evaluated: 2020-02-27. Review status: reviewed by expert panel. Criteria: ClinGen RASopathy ACMG Specifications v1. Collection method: curation. Allele origin: germline. Inheritance: Autosomal dominant inheritance.
Comment: The c.1455G>T (p.Leu485Phe) variant in BRAF is absent from gnomAD (PM2). It has been detected in at least 5 patients with clinical features of a RASopathy, 2 of which were reported as unconfirmed de novo cases (PS4; PM6_Strong; PMIDs: 18039235, 28524057, SCV000832735.1, SCV000204150.4, SCV000965953.1, Otto-von-Guericke-UniversitÃ¤t Magdeburg internal communication). In vitro functional studies provide some evidence that the p.L485F variant may impact protein function (PS3; PMID: 18413255). The variant is located in the BRAF gene, which has been defined by the ClinGen RASopathy Expert Panel as a gene with a low rate of benign missense variants and pathogenic missense variants are common (PP2; PMID: 29493581). Additionally, computational prediction tools and conservation analysis suggest that this variant may affect the protein (PP3). In summary, this variant meets criteria to be classified as pathogenic for RASopathies in an autosomal dominant manner. Rasopathy-specific ACMG/AMP criteria applied (PMID:29493581): PS4, PM6_Strong, PS3, PM2, PP2, PP3.

Genesolutions, Medical Genetics Institutes, Ho Chi Minh City, Vietnam
Classification: Uncertain significance for Cardiofaciocutaneous syndrome 1. Last evaluated: 2025-09-24. Review status: criteria provided, single submitter. Criteria: ACMG Guidelines, 2015. Collection method: clinical testing. Allele origin: germline. Affected: yes. Not counted in ClinVar's aggregate classification.

GeneDx
Classification: Pathogenic. Last evaluated: 2025-03-04. Review status: criteria provided, single submitter. Criteria: GeneDx Variant Classification Process June 2021. Collection method: clinical testing. Allele origin: germline. Not counted in ClinVar's aggregate classification.
Comment: Reported in probands with clinical features of cardio-facio-cutaneous (CFC) syndrome (PMID: 28524057, 18039235, 34358384); Not observed at significant frequency in large population cohorts (gnomAD); Missense variants in this gene are often considered pathogenic (HGMD); In silico analysis supports that this missense variant has a deleterious effect on protein structure/function; This variant is associated with the following publications: (PMID: 34358384, 30406758, 18039235, 28524057)

Laboratory of Medical Genetics, National & Kapodistrian University of Athens
Classification: Pathogenic for Cardiofaciocutaneous syndrome 1. Last evaluated: 2024-05-16. Review status: criteria provided, single submitter. Criteria: ACMG Guidelines, 2015. Collection method: clinical testing. Allele origin: germline. Affected: yes. Not counted in ClinVar's aggregate classification.
Comment: PS1, PS4, PM1, PM2, PP3, PP5- The variant has been reported in ClinVar as Pathogenic by other laboratories (Variation ID: 177844). In silico prediction tools estimated that the variant could be damaging for the protein function/stracture. It is not present in population databases (gnomAD no frequency).

Labcorp Genetics (formerly Invitae), Labcorp
Classification: Pathogenic for RASopathy. Last evaluated: 2021-09-08. Review status: criteria provided, single submitter. Criteria: Invitae Variant Classification Sherloc (09022015). Collection method: clinical testing. Allele origin: germline. Not counted in ClinVar's aggregate classification.
Comment: Experimental studies have shown that this missense change affects BRAF function (PMID: 16439621, 16474404, 18413255, 25348715). Algorithms developed to predict the effect of missense changes on protein structure and function are either unavailable or do not agree on the potential impact of this missense change (SIFT: "Deleterious"; PolyPhen-2: "Probably Damaging"; Align-GVGD: "Class C15"). ClinVar contains an entry for this variant (Variation ID: 177844). This missense change has been observed in individuals with cardio-facio-cutaneous syndrome (PMID: 16439621, 16474404, 18039235, 19206169, 28524057). This variant is not present in population databases (ExAC no frequency). This sequence change replaces leucine with phenylalanine at codon 485 of the BRAF protein (p.Leu485Phe). The leucine residue is highly conserved and there is a small physicochemical difference between leucine and phenylalanine. For these reasons, this variant has been classified as Pathogenic.

Women's Health and Genetics/Laboratory Corporation of America, LabCorp
Classification: Pathogenic for Cardio-facio-cutaneous syndrome. Last evaluated: 2019-09-11. Review status: criteria provided, single submitter. Criteria: LabCorp Variant Classification Summary - May 2015. Collection method: clinical testing. Allele origin: germline. Not counted in ClinVar's aggregate classification.
Comment: Variant summary: BRAF c.1455G>T (p.Leu485Phe) results in a non-conservative amino acid change located in the Serine-threonine/tyrosine-protein kinase, catalytic domain (IPR001245) of the encoded protein sequence. Three of five in-silico tools predict a damaging effect of the variant on protein function. The variant was absent in 251326 control chromosomes (gnomAD). The variant, c.1455G>T, has been reported in the literature in individuals affected with Cardiofaciocutaneous Syndrome (Rodriguez-Viciana_2006, Sato_2017). Another variant (c.1455G>C) leading to the same protein change (p.Leu485Phe) has also been observed in individuals affected with Cardiofaciocutaneous Syndrome including one de novo occurrence (Niihori_2006, Sarkozy_2009). These data indicate that the variant is likely to be associated with disease. At least two publications reported experimental evidence evaluating an impact on protein function and showed increased BRAF activity (Niihori_2006, Rodriguez-Viciana_2006). One clinical diagnostic laboratory has submitted clinical-significance assessments for this variant to ClinVar after 2014 without evidence for independent evaluation and classified the variant as likely pathogenic. Another variant affecting the same codon, p.L485S, has been reported to associate with Cardiofaciocutaneous Syndrome too. Based on the evidence outlined above, the variant was classified as pathogenic.

Laboratory for Molecular Medicine, Mass General Brigham Personalized Medicine
Classification: Pathogenic for Noonan syndrome; Cardio-facio-cutaneous syndrome. Last evaluated: 2014-10-21. Review status: criteria provided, single submitter. Criteria: LMM Criteria. Collection method: clinical testing. Allele origin: germline. Observed: 1 variant allele. Not counted in ClinVar's aggregate classification.
Comment: It was absent from large population studies. In addition, a different variant with the same amino acid change (c.1455G>C) was identified in four individuals with clinical features of a RASo pathy (Niihori 2006, Rodriguez-Viciana 2006, LMM unpublished data). In vitro fu nctional studies provide some evidence that the Leu485Phe variant may impact pro tein function by increasing its kinase activity (Rodriguez-Viciana 2008). Howeve r, these types of assays may not accurately represent biological function. In s ummary, this variant meets our criteria to be classified as pathogenic.

Service de Génétique Moléculaire, Hôpital Robert Debré
Classification: Uncertain significance for Noonan syndrome. Review status: no assertion criteria provided. Collection method: clinical testing. Allele origin: unknown. Affected: yes. Observed: 1 variant allele. Not counted in ClinVar's aggregate classification.

Literature cited by the submitters: PubMed 18413255 (cited by 3 submitters); PubMed 28524057 (cited by 3 submitters); PubMed 18039235 (cited by 4 submitters); PubMed 16439621 (cited by 3 submitters); PubMed 16474404 (cited by 3 submitters); PubMed 25348715 (cited by Labcorp Genetics (formerly Invitae), Labcorp); PubMed 19206169 (cited by Labcorp Genetics (formerly Invitae), Labcorp and Women's Health and Genetics/Laboratory Corporation of America, LabCorp).